The following is an entry in ClinVar:

ClinVar aggregate classification (germline): Uncertain significance (1 of 4 stars; one submission).

Submission:

GeneDx
Classification: Uncertain significance. Last evaluated: 2023-02-13. Review status: criteria provided, single submitter. Criteria: GeneDx Variant Classification Process June 2021. Collection method: clinical testing. Allele origin: germline. Affected: yes.
Comment: Not observed at significant frequency in large population cohorts (gnomAD); In silico analysis supports that this missense variant does not alter protein structure/function; Has not been previously published as pathogenic or benign to our knowledge

NM_001197104.2(KMT2A):c.9799A>C (p.Asn3267His)

Gene: KMT2A (lysine methyltransferase 2A; plus strand). Cytogenetic location: 11q23.3.
Variant type: single nucleotide variant.
Coding change: c.9799A>C on transcript NM_001197104.2 (MANE Select); coding-DNA position 9799, A replaced by C.
Protein change: p.Asn3267His; replaces asparagine 3267 with histidine.
Molecular consequence: missense variant.
Genome position (GRCh38, 1-based): chr11:118,505,691, A>C. VCF-style: chr11-118505691-A-C. GRCh37 (hg19) VCF-style: chr11-118376406-A-C.
Other names: c.9889A>C, p.Asn3297His (NM_001412597.1); c.9790A>C, p.Asn3264His (NM_005933.4); short protein forms N3264H, N3267H, N3297H.
Identifiers: ClinVar variation 2575580 (VCV002575580.1), dbSNP rs782704291, ClinGen allele CA382821786.